The following is an entry in ClinVar:

NM_000390.4(CHM):c.1771-1G>A

Gene: CHM (CHM Rab escort protein; minus strand). Cytogenetic location: Xq21.2.
Variant type: single nucleotide variant.
Coding change: c.1771-1G>A on transcript NM_000390.4 (MANE Select); the canonical splice acceptor site of the intron before coding-DNA position 1771, G replaced by A.
Molecular consequence: splice acceptor variant.
Genome position (GRCh38, 1-based): chrX:85,864,822, C>T on the plus strand (G>A on the coding strand, the complement: CHM is on the minus strand). VCF-style: chrX-85864822-C-T. GRCh37 (hg19) VCF-style: chrX-85119827-C-T.
Other names: c.1327-1G>A (NM_001362519.1, NM_001362517.1, NM_001320959.1 and 1 more transcripts).
Identifiers: ClinVar variation 449467 (VCV000449467.10), dbSNP rs1556191599, ClinGen allele CA413785630.

ClinVar aggregate classification (germline): Pathogenic. Review status: criteria provided, multiple submitters, no conflicts (2 of 4 stars). 2 submissions from 2 submitters: Pathogenic (2). Last evaluated 2026-01-20.

Submissions (2):

Labcorp Genetics (formerly Invitae), Labcorp
Classification: Pathogenic. Last evaluated: 2026-01-20. Review status: criteria provided, single submitter. Criteria: Invitae Variant Classification Sherloc (09022015). Collection method: clinical testing. Allele origin: germline.
Comment: This sequence change affects an acceptor splice site in intron 14 of the CHM gene. RNA analysis indicates that disruption of this splice site induces altered splicing and likely disrupts the C-terminus of the protein. This variant is not present in population databases (gnomAD no frequency). Disruption of this splice site has been observed in individual(s) with choroideremia (PMID: 9067750, 22355242, 29555028; internal data). This variant is also known as 1801-1G>A. ClinVar contains an entry for this variant (Variation ID: 449467). Studies have shown that disruption of this splice site alters CHM gene expression (PMID: 22355242). Variants that disrupt the consensus splice site are a relatively common cause of aberrant splicing (PMID: 17576681, 9536098). Studies have shown that disruption of this splice site results in deletion of a single nucleotide and introduces a new termination codon (PMID: 22355242). However the mRNA is not expected to undergo nonsense-mediated decay. For these reasons, this variant has been classified as Pathogenic.

GeneDx
Classification: Pathogenic. Last evaluated: 2015-12-17. Review status: criteria provided, single submitter. Criteria: GeneDx Variant Classification (06012015). Collection method: clinical testing. Allele origin: germline. Affected: yes.
Comment: The c.1771-1 G>A splice site variant in the CHM gene has been previously reported in association with choroideremia (van den Hurk et al., 1997; Zhou et al., 2012) This pathogenic variant destroys the canonical splice acceptor site in intron 14, and is expected to cause abnormal gene splicing.

Literature cited by the submitters: PubMed 9067750 (cited by Labcorp Genetics (formerly Invitae), Labcorp); PubMed 22355242 (cited by Labcorp Genetics (formerly Invitae), Labcorp); PubMed 29555028 (cited by Labcorp Genetics (formerly Invitae), Labcorp); PubMed 17576681 (cited by Labcorp Genetics (formerly Invitae), Labcorp); PubMed 9536098 (cited by Labcorp Genetics (formerly Invitae), Labcorp).